The following is an entry in ClinVar:

ClinVar aggregate classification (germline): Uncertain significance (1 of 4 stars; one submission).

Conditions:
POLR2A-related disorder. Also called: POLR2A-related condition.

Allele frequency attached by ClinVar (database versions not stated): ExAC 0.00001; ESP Exome Variant Server 0.00008.

Submission:

PreventionGenetics, part of Exact Sciences
Classification: Uncertain significance for POLR2A-related condition. Last evaluated: 2023-08-25. Review status: criteria provided, single submitter. Criteria: ACMG Guidelines, 2015. Collection method: clinical testing. Allele origin: germline.
Comment: The POLR2A c.152G>A variant is predicted to result in the amino acid substitution p.Arg51His. To our knowledge, this variant has not been reported in the literature. This variant is reported in 0.00088% of alleles in individuals of European (Non-Finnish) descent in gnomAD. At this time, the clinical significance of this variant is uncertain due to the absence of conclusive functional and genetic evidence.

NM_000937.5(POLR2A):c.152G>A (p.Arg51His)

Gene: POLR2A (RNA polymerase II subunit A; plus strand). Cytogenetic location: 17p13.1.
Variant type: single nucleotide variant.
Coding change: c.152G>A on transcript NM_000937.5 (MANE Select); coding-DNA position 152, G replaced by A.
Protein change: p.Arg51His; replaces arginine 51 with histidine.
Molecular consequence: missense variant.
Genome position (GRCh38, 1-based): chr17:7,495,999, G>A. VCF-style: chr17-7495999-G-A. GRCh37 (hg19) VCF-style: chr17-7399318-G-A.
Other names: short protein forms R51H.
Identifiers: ClinVar variation 2631436 (VCV002631436.1), dbSNP rs150809300, ClinGen allele CA8349115.
Genomic context (GRCh38, chr17:7,495,999, plus strand): 5'-AGAAGCGAATGTCTGTGACGGAGGGTGGCATCAAATACCCAGAGACGACTGAGGGAGGCC[G>A]CCCCAAGCTTGGGGGGCTGATGGACCCGAGGCAGGGGGTGATTGAGCGGACTGGCCGCTG-3'
Protein context (NP_000928.1, residues 41-61): IKYPETTEGG[Arg51His]PKLGGLMDPR